The following is an entry in ClinVar:

NM_022773.4(LMF1):c.1574G>A (p.Gly525Glu)

Gene: LMF1 (lipase maturation factor 1; minus strand). Cytogenetic location: 16p13.3.
Variant type: single nucleotide variant.
Coding change: c.1574G>A on transcript NM_022773.4 (MANE Select); coding-DNA position 1574, G replaced by A.
Protein change: p.Gly525Glu; replaces glycine 525 with glutamic acid.
Molecular consequence: missense variant. On other transcripts: nonsense (1), non-coding transcript variant (1).
Genome position (GRCh38, 1-based): chr16:854,662, C>T on the plus strand (G>A on the coding strand, the complement: LMF1 is on the minus strand). VCF-style: chr16-854662-C-T. GRCh37 (hg19) VCF-style: chr16-904662-C-T.
Other names: c.923G>A, p.Gly308Glu (NM_001352017.2, NM_001352021.2); c.1175G>A, p.Gly392Glu (NM_001352018.2); c.1247G>A, p.Gly416Glu (NM_001352019.2); c.1494G>A, p.Trp498Ter (NM_001352020.1); c.1574G>A (NM_022773.3); short protein forms G392E, G525E, G308E, G416E, W498*.
Identifiers: ClinVar variation 2624768 (VCV002624768.4), dbSNP rs200159114, ClinGen allele CA7796875.

ClinVar aggregate classification (germline): Uncertain significance. Review status: criteria provided, multiple submitters, no conflicts (2 of 4 stars). 2 submissions from 2 submitters: Uncertain significance (2). Last evaluated 2025-04-09.

Conditions:
Cardiovascular phenotype. Identifiers: MedGen CN230736.

Allele frequency attached by ClinVar (database versions not stated): ExAC 0.00001; gnomAD exomes 0.00005; gnomAD 0.00006; TOPMed 0.00006.
gnomAD v4.1: 79 of 1,604,592 alleles (0.0049%); highest among the groups gnomAD compares: Non-Finnish European, 0.0065%; no homozygotes.

Submissions (2):

Molecular Diagnostic Laboratory for Inherited Cardiovascular Disease, Montreal Heart Institute
Classification: Uncertain significance for Cardiovascular phenotype. Last evaluated: 2025-04-09. Review status: criteria provided, single submitter. Criteria: ACMG Guidelines, 2015. Collection method: clinical testing. Allele origin: germline. Affected: yes.
Comment: PM2

Ambry Genetics
Classification: Uncertain significance for Cardiovascular phenotype. Last evaluated: 2024-07-02. Review status: criteria provided, single submitter. Criteria: Ambry Variant Classification Scheme 2023. Collection method: clinical testing. Allele origin: germline.